The following is an entry in ClinVar:

NM_005751.5(AKAP9):c.3367G>A (p.Val1123Ile)

Gene: AKAP9 (A-kinase anchoring protein 9; plus strand). Cytogenetic location: 7q21.2.
Variant type: single nucleotide variant.
Coding change: c.3367G>A on transcript NM_005751.5 (MANE Select); coding-DNA position 3367, G replaced by A.
Protein change: p.Val1123Ile; replaces valine 1123 with isoleucine.
Molecular consequence: missense variant.
Genome position (GRCh38, 1-based): chr7:92,012,477, G>A. VCF-style: chr7-92012477-G-A. GRCh37 (hg19) VCF-style: chr7-91641791-G-A.
Other names: c.3367G>A, p.Val1123Ile (NM_147185.3); short protein forms V1123I.
Identifiers: ClinVar variation 4738745 (VCV004738745.1).

ClinVar aggregate classification (germline): Uncertain significance (1 of 4 stars; one submission).

Conditions:
Long QT syndrome (LQTS). Identifiers: MedGen C0023976, MeSH D008133, MONDO:0002442. Disease mechanism: loss of function. Inheritance: Various modes of inheritance.

gnomAD v4.1: 8 of 1,614,020 alleles (0.0005%); highest among the groups gnomAD compares: Non-Finnish European, 0.00068%; no homozygotes.

Submission:

Labcorp Genetics (formerly Invitae), Labcorp
Classification: Uncertain significance for Long QT syndrome. Last evaluated: 2025-05-01. Review status: criteria provided, single submitter. Criteria: Invitae Variant Classification Sherloc (09022015). Collection method: clinical testing. Allele origin: germline.
Comment: This sequence change replaces valine, which is neutral and non-polar, with isoleucine, which is neutral and non-polar, at codon 1123 of the AKAP9 protein (p.Val1123Ile). This variant is not present in population databases (gnomAD no frequency). This variant has not been reported in the literature in individuals affected with AKAP9-related conditions. An algorithm developed to predict the effect of missense changes on protein structure and function (PolyPhen-2) suggests that this variant is likely to be disruptive. Algorithms developed to predict the effect of sequence changes on RNA splicing suggest that this variant may create or strengthen a splice site. In summary, the available evidence is currently insufficient to determine the role of this variant in disease. Therefore, it has been classified as a Variant of Uncertain Significance.